The following is an entry in ClinVar:

NM_001330260.2(SCN8A):c.5899del (p.Glu1967fs)

Gene: SCN8A (sodium voltage-gated channel alpha subunit 8; plus strand). Cytogenetic location: 12q13.13.
Variant type: Deletion.
Coding change: c.5899del on transcript NM_001330260.2 (MANE Select); coding-DNA position 5899, one base deleted (G; older notation c.5899delG).
Protein change: p.Glu1967fs; shifts the reading frame from glutamic acid 1967.
Molecular consequence: frameshift variant.
Genome position (GRCh38, 1-based): chr12:51,807,385, G deleted; the last of 3 consecutive G bases (chr12:51,807,383-51,807,385); deleting any one gives the same sequence. VCF-style (leftmost placement, unchanged base first): chr12-51807382-AG-A. GRCh37 (hg19) VCF-style: chr12-52201166-AG-A.
Other names: c.5776del, p.Glu1926fs (NM_001177984.3, NM_001369788.1); c.5899del, p.Glu1967fs (NM_014191.4); short protein forms E1926fs, E1967fs.
Identifiers: ClinVar variation 3373589 (VCV003373589.1).

ClinVar aggregate classification (germline): Uncertain significance (1 of 4 stars; one submission).

Submission:

GeneDx
Classification: Uncertain significance. Last evaluated: 2024-03-02. Review status: criteria provided, single submitter. Criteria: GeneDx Variant Classification Process June 2021. Collection method: clinical testing. Allele origin: germline. Affected: yes.
Comment: Frameshift variant predicted to result in extended protein length as the last 14 amino acids are replaced with 25 different amino acids; Not observed at significant frequency in large population cohorts (gnomAD); Has not been previously published as pathogenic or benign to our knowledge